The following is an entry in ClinVar:

NM_000264.5(PTCH1):c.652dup (p.Gln218fs)

Gene: PTCH1 (patched 1; minus strand). Cytogenetic location: 9q22.32.
Variant type: Duplication.
Coding change: c.652dup on transcript NM_000264.5 (MANE Select); coding-DNA position 652, one base duplicated (C; older notation c.652dupC).
Protein change: p.Gln218fs; shifts the reading frame from glutamine 218.
Molecular consequence: frameshift variant. On other transcripts: non-coding transcript variant (1).
Genome position (GRCh38, 1-based): chr9:95,482,136, G duplicated on the plus strand (C on the coding strand, the reverse complement: PTCH1 is on the minus strand). VCF-style (leftmost placement, unchanged base first): chr9-95482135-T-TG. GRCh37 (hg19) VCF-style: chr9-98244417-T-TG.
Other names: c.454dup, p.Gln152fs (NM_001083602.3, NM_001354919.2); c.649dup, p.Gln217fs (NM_001083603.3); c.199dup, p.Gln67fs (NM_001083604.3, NM_001083605.3, NM_001083606.3 and 1 more transcripts); c.652dup, p.Gln218fs (NM_001354918.2); c.652dupC (NM_000264.3); short protein forms Q67fs, Q217fs, Q218fs, Q152fs.
Identifiers: ClinVar variation 580728 (VCV000580728.7), dbSNP rs1564058147, ClinGen allele CA466097761.

ClinVar aggregate classification (germline): Pathogenic (1 of 4 stars; one submission).

Conditions:
Gorlin syndrome. Also called: Basal cell nevus syndrome; Nevoid Basal Cell Carcinoma Syndrome. Identifiers: Orphanet 377, MedGen C0004779, MONDO:0007187.

Submission:

Labcorp Genetics (formerly Invitae), Labcorp
Classification: Pathogenic for Gorlin syndrome. Last evaluated: 2018-05-16. Review status: criteria provided, single submitter. Criteria: Invitae Variant Classification Sherloc (09022015). Collection method: clinical testing. Allele origin: germline.
Comment: For these reasons, this variant has been classified as Pathogenic. Loss-of-function variants in PTCH1 are known to be pathogenic (PMID: 16301862, 16419085). This variant has not been reported in the literature in individuals with PTCH1-related disease. This variant is not present in population databases (ExAC no frequency). This sequence change creates a premature translational stop signal (p.Gln218Profs*34) in the PTCH1 gene. It is expected to result in an absent or disrupted protein product.

Literature cited by the submitters: PubMed 16301862; PubMed 16419085.